The following is an entry in ClinVar:

NM_003719.5(PDE8B):c.229G>A (p.Gly77Ser)

Gene: PDE8B (phosphodiesterase 8B; plus strand). Cytogenetic location: 5q13.3.
Variant type: single nucleotide variant.
Coding change: c.229G>A on transcript NM_003719.5 (MANE Select); coding-DNA position 229, G replaced by A.
Protein change: p.Gly77Ser; replaces glycine 77 with serine.
Molecular consequence: missense variant. On other transcripts: 5 prime UTR variant (1), intron variant (13).
Genome position (GRCh38, 1-based): chr5:77,211,154, G>A. VCF-style: chr5-77211154-G-A. GRCh37 (hg19) VCF-style: chr5-76506979-G-A.
Other names: c.229G>A, p.Gly77Ser (NM_001029851.4, NM_001029852.4, NM_001029853.4 and 7 more transcripts); c.-141G>A (NM_001349753.2); c.36+30668G>A (NM_001349750.3, NM_001376069.1, NM_001376062.1 and 7 more transcripts); c.-34+1108G>A (NM_001376067.1, NM_001376075.1); c.-31+1108G>A (NM_001376068.1); short protein forms G77S.
Identifiers: ClinVar variation 2054134 (VCV002054134.4), dbSNP rs762015029, ClinGen allele CA3314829.

ClinVar aggregate classification (germline): Uncertain significance (1 of 4 stars; one submission).

Allele frequency attached by ClinVar (database versions not stated): gnomAD exomes 0.00004; gnomAD 0.00005; TOPMed 0.00005.
gnomAD v4.1: 63 of 1,530,706 alleles (0.0041%); highest among the groups gnomAD compares: Non-Finnish European, 0.0053%; no homozygotes.

Submission:

Labcorp Genetics (formerly Invitae), Labcorp
Classification: Uncertain significance. Last evaluated: 2022-09-26. Review status: criteria provided, single submitter. Criteria: Invitae Variant Classification Sherloc (09022015). Collection method: clinical testing. Allele origin: germline.
Comment: The frequency data for this variant in the population databases is considered unreliable, as metrics indicate poor data quality at this position in the gnomAD database. This sequence change replaces glycine, which is neutral and non-polar, with serine, which is neutral and polar, at codon 77 of the PDE8B protein (p.Gly77Ser). This variant has not been reported in the literature in individuals affected with PDE8B-related conditions. Algorithms developed to predict the effect of missense changes on protein structure and function output the following: SIFT: "Tolerated"; PolyPhen-2: "Benign"; Align-GVGD: "Class C0". The serine amino acid residue is found in multiple mammalian species, which suggests that this missense change does not adversely affect protein function. In summary, the available evidence is currently insufficient to determine the role of this variant in disease. Therefore, it has been classified as a Variant of Uncertain Significance.